The following is an entry in ClinVar:

ClinVar aggregate classification (germline): Uncertain significance (1 of 4 stars; one submission).

Allele frequency attached by ClinVar (database versions not stated): gnomAD 0.00001; gnomAD exomes 0.00001; TOPMed 0.00001.
gnomAD v4.1: 21 of 1,551,580 alleles (0.0014%); highest among the groups gnomAD compares: Non-Finnish European, 0.0017%; no homozygotes.

Submission:

Labcorp Genetics (formerly Invitae), Labcorp
Classification: Uncertain significance. Last evaluated: 2022-10-12. Review status: criteria provided, single submitter. Criteria: Invitae Variant Classification Sherloc (09022015). Collection method: clinical testing. Allele origin: germline.
Comment: This sequence change falls in intron 13 of the LOXHD1 gene. It does not directly change the encoded amino acid sequence of the LOXHD1 protein. It affects a nucleotide within the consensus splice site. This variant is present in population databases (no rsID available, gnomAD 0.007%). This variant has not been reported in the literature in individuals affected with LOXHD1-related conditions. Variants that disrupt the consensus splice site are a relatively common cause of aberrant splicing (PMID: 17576681, 9536098). Algorithms developed to predict the effect of sequence changes on RNA splicing suggest that this variant is not likely to affect RNA splicing. In summary, the available evidence is currently insufficient to determine the role of this variant in disease. Therefore, it has been classified as a Variant of Uncertain Significance.

Literature cited by the submitters: PubMed 17576681; PubMed 9536098.

NM_001384474.1(LOXHD1):c.1809+6T>C

Gene: LOXHD1 (lipoxygenase homology PLAT domains 1; minus strand). Cytogenetic location: 18q21.1.
Variant type: single nucleotide variant.
Coding change: c.1809+6T>C on transcript NM_001384474.1 (MANE Select); 6 bases into the intron after coding-DNA position 1809, T replaced by C.
Molecular consequence: intron variant.
Genome position (GRCh38, 1-based): chr18:46,579,624, A>G on the plus strand (T>C on the coding strand, the complement: LOXHD1 is on the minus strand). VCF-style: chr18-46579624-A-G. GRCh37 (hg19) VCF-style: chr18-44159587-A-G.
Other names: c.1809+6T>C (NM_144612.7).
Identifiers: ClinVar variation 2149153 (VCV002149153.1), dbSNP rs1017357413, ClinGen allele CA299800805.